The following is an entry in ClinVar:

NM_001365999.1(SZT2):c.2324C>T (p.Pro775Leu)

Gene: SZT2 (SZT2 subunit of KICSTOR complex; plus strand). Cytogenetic location: 1p34.2.
Variant type: single nucleotide variant.
Coding change: c.2324C>T on transcript NM_001365999.1 (MANE Select); coding-DNA position 2324, C replaced by T.
Protein change: p.Pro775Leu; replaces proline 775 with leucine.
Molecular consequence: missense variant.
Genome position (GRCh38, 1-based): chr1:43,424,285, C>T. VCF-style: chr1-43424285-C-T. GRCh37 (hg19) VCF-style: chr1-43889956-C-T.
Other names: c.2324C>T, p.Pro775Leu (NM_015284.4); short protein forms P775L.
Identifiers: ClinVar variation 1011428 (VCV001011428.8), dbSNP rs1652871074, ClinGen allele CA340012356.
Genomic context (GRCh38, chr1:43,424,285, plus strand): 5'-AGCTGCCCTTGGACTACCGGGCACCCTTCTTGCTGACATTGGAGCCACCAGGTCCACTGC[C>T]CTTGGTGTCAGGCCGCTCAGCCTCTTCTAGCCTGGCGTCACTGTCCCGCTACCTCTACCA-3'
Protein context (NP_001352928.1, residues 765-785): LLTLEPPGPL[Pro775Leu]LVSGRSASSS

ClinVar aggregate classification (germline): Uncertain significance (1 of 4 stars; one submission).

Submission:

Labcorp Genetics (formerly Invitae), Labcorp
Classification: Uncertain significance. Last evaluated: 2017-07-10. Review status: criteria provided, single submitter. Criteria: Invitae Variant Classification Sherloc (09022015). Collection method: clinical testing. Allele origin: germline.
Comment: In summary, the available evidence is currently insufficient to determine the role of this variant in disease. Therefore, it has been classified as a Variant of Uncertain Significance. Algorithms developed to predict the effect of missense changes on protein structure and function do not agree on the potential impact of this missense change (SIFT: "Deleterious"; PolyPhen-2: "Possibly Damaging"; Align-GVGD: "Class C0"). This variant has not been reported in the literature in individuals with SZT2-related disease. This variant is not present in population databases (ExAC no frequency). This sequence change replaces proline with leucine at codon 775 of the SZT2 protein (p.Pro775Leu). The proline residue is moderately conserved and there is a moderate physicochemical difference between proline and leucine.